The following is an entry in ClinVar:

NM_003491.4(NAA10):c.*39A>G

Gene: NAA10 (N-alpha-acetyltransferase 10, NatA catalytic subunit; minus strand). Cytogenetic location: Xq28.
Variant type: single nucleotide variant.
Coding change: c.*39A>G on transcript NM_003491.4 (MANE Select); 39 bases downstream of the stop codon, A replaced by G.
Molecular consequence: 3 prime UTR variant.
Genome position (GRCh38, 1-based): chrX:153,929,948, T>C on the plus strand (A>G on the coding strand, the complement: NAA10 is on the minus strand). VCF-style: chrX-153929948-T-C. GRCh37 (hg19) VCF-style: chrX-153195401-T-C.
Other names: +39A-G, 3-PRIME UTR; c.*39A>G (NM_001256119.2, NM_001256120.2).
Identifiers: ClinVar variation 617462 (VCV000617462.9), dbSNP rs1603289774, ClinGen allele CA913191231.

ClinVar aggregate classification (germline): Pathogenic/Likely pathogenic. Review status: criteria provided, multiple submitters, no conflicts (2 of 4 stars). 3 submissions from 3 submitters: Pathogenic (1); Likely pathogenic (1). 1 of the submissions does not count toward it. Last evaluated 2022-01-11.

Conditions:
Microphthalmia, syndromic 1 (MCOPS1). Also called: ANOP1. Identifiers: Orphanet 568, Orphanet 85275, MedGen C0796016, MONDO:0010671, OMIM 309800.

Submissions (3):

GeneDx
Classification: Pathogenic. Last evaluated: 2022-01-11. Review status: criteria provided, single submitter. Criteria: GeneDx Variant Classification Process June 2021. Collection method: clinical testing. Allele origin: germline. Affected: yes.
Comment: Not observed at significant frequency in large population cohorts (gnomAD); This variant is associated with the following publications: (PMID: 16114045, 30842225)

Biesecker Lab/Clinical Genomics Section, National Institutes of Health
Classification: Likely pathogenic for Microphthalmia, syndromic 1. Last evaluated: 2019-01-14. Review status: criteria provided, single submitter. Criteria: ACMG Guidelines, 2015. Collection method: research. Allele origin: germline. Inheritance: X-linked recessive inheritance. Affected: yes. Observed: 2 variant alleles, 2 hemizygotes. Clinical features observed: Microphthalmia (HP:0000568).

OMIM
Classification: Pathogenic for MICROPHTHALMIA, SYNDROMIC 1. Last evaluated: 2020-07-10. Review status: no assertion criteria provided. Collection method: literature only. Allele origin: germline. Not counted in ClinVar's aggregate classification.

Literature cited by the submitters: PubMed 16114045 (cited by OMIM); PubMed 30842225 (cited by OMIM).